The following is an entry in ClinVar:

ClinVar aggregate classification (germline): Uncertain significance (1 of 4 stars; one submission).

Submission:

Labcorp Genetics (formerly Invitae), Labcorp
Classification: Uncertain significance. Last evaluated: 2022-04-10. Review status: criteria provided, single submitter. Criteria: Invitae Variant Classification Sherloc (09022015). Collection method: clinical testing. Allele origin: germline.
Comment: In summary, the available evidence is currently insufficient to determine the role of this variant in disease. Therefore, it has been classified as a Variant of Uncertain Significance. Algorithms developed to predict the effect of missense changes on protein structure and function output the following: SIFT: "Tolerated"; PolyPhen-2: "Benign"; Align-GVGD: "Class C0". The arginine amino acid residue is found in multiple mammalian species, which suggests that this missense change does not adversely affect protein function. This variant has not been reported in the literature in individuals affected with NIN-related conditions. This variant is not present in population databases (gnomAD no frequency). This sequence change replaces glutamine, which is neutral and polar, with arginine, which is basic and polar, at codon 1446 of the NIN protein (p.Gln1446Arg).

NM_020921.4(NIN):c.4337A>G (p.Gln1446Arg)

Gene: NIN (ninein; minus strand). Cytogenetic location: 14q22.1.
Variant type: single nucleotide variant.
Coding change: c.4337A>G on transcript NM_020921.4 (MANE Select); coding-DNA position 4337, A replaced by G.
Protein change: p.Gln1446Arg; replaces glutamine 1446 with arginine.
Molecular consequence: missense variant. On other transcripts: intron variant (1).
Genome position (GRCh38, 1-based): chr14:50,756,693, T>C on the plus strand (A>G on the coding strand, the complement: NIN is on the minus strand). VCF-style: chr14-50756693-T-C. GRCh37 (hg19) VCF-style: chr14-51223411-T-C.
Other names: c.4337A>G, p.Gln1446Arg (NM_182944.3, NM_182946.2); c.2400-1826A>G (NM_016350.5); short protein forms Q1446R.
Identifiers: ClinVar variation 2124143 (VCV002124143.4), dbSNP rs1298867234, ClinGen allele CA389693092.